The following is an entry in ClinVar:

NM_004370.6(COL12A1):c.8929C>A (p.Pro2977Thr)

Gene: COL12A1 (collagen type XII alpha 1 chain; minus strand). Cytogenetic location: 6q13.
Variant type: single nucleotide variant.
Coding change: c.8929C>A on transcript NM_004370.6 (MANE Select); coding-DNA position 8929, C replaced by A.
Protein change: p.Pro2977Thr; replaces proline 2977 with threonine.
Molecular consequence: missense variant.
Genome position (GRCh38, 1-based): chr6:75,090,122, G>T on the plus strand (C>A on the coding strand, the complement: COL12A1 is on the minus strand). VCF-style: chr6-75090122-G-T. GRCh37 (hg19) VCF-style: chr6-75799838-G-T.
Other names: c.5437C>A, p.Pro1813Thr (NM_080645.3); short protein forms P1813T, P2977T.
Identifiers: ClinVar variation 1384907 (VCV001384907.6), dbSNP rs1310755474, ClinGen allele CA364734447.

ClinVar aggregate classification (germline): Uncertain significance (1 of 4 stars; one submission).

Conditions:
Ullrich congenital muscular dystrophy 2 (UCMD2). Identifiers: Orphanet 75840, MedGen C4225314, MONDO:0014654, OMIM 616470.
Bethlem myopathy 2 (BTHLM2). Identifiers: Orphanet 536516, Orphanet 610, MedGen C4225313, MONDO:0034022, OMIM 616471.

Submission:

Labcorp Genetics (formerly Invitae), Labcorp
Classification: Uncertain significance for Bethlem myopathy 2; Ullrich congenital muscular dystrophy 2. Last evaluated: 2021-10-06. Review status: criteria provided, single submitter. Criteria: Invitae Variant Classification Sherloc (09022015). Collection method: clinical testing. Allele origin: germline.
Comment: This sequence change replaces proline with threonine at codon 2977 of the COL12A1 protein (p.Pro2977Thr). The proline residue is moderately conserved and there is a small physicochemical difference between proline and threonine. This variant is not present in population databases (ExAC no frequency). This variant has not been reported in the literature in individuals affected with COL12A1-related conditions. Algorithms developed to predict the effect of missense changes on protein structure and function are either unavailable or do not agree on the potential impact of this missense change (SIFT: "Deleterious"; PolyPhen-2: "Possibly Damaging"; Align-GVGD: "Class C0"). In summary, the available evidence is currently insufficient to determine the role of this variant in disease. Therefore, it has been classified as a Variant of Uncertain Significance.